The following is an entry in ClinVar:

ClinVar aggregate classification (germline): Uncertain significance (1 of 4 stars; one submission).

Conditions:
Neuronal ceroid lipofuscinosis. Also called: Neuronal Ceroid Lipofuscinoses. Identifiers: Orphanet 216, Orphanet 79263, MedGen C0027877, MONDO:0016295. Disease mechanism: loss of function.

Submission:

Labcorp Genetics (formerly Invitae), Labcorp
Classification: Uncertain significance for Neuronal ceroid lipofuscinosis. Last evaluated: 2021-12-04. Review status: criteria provided, single submitter. Criteria: Invitae Variant Classification Sherloc (09022015). Collection method: clinical testing. Allele origin: germline.
Comment: This sequence change replaces valine, which is neutral and non-polar, with alanine, which is neutral and non-polar, at codon 151 of the CLN8 protein (p.Val151Ala). This variant is not present in population databases (gnomAD no frequency). This variant has not been reported in the literature in individuals affected with CLN8-related conditions. Advanced modeling of protein sequence and biophysical properties (such as structural, functional, and spatial information, amino acid conservation, physicochemical variation, residue mobility, and thermodynamic stability) performed at Invitae indicates that this missense variant is not expected to disrupt CLN8 protein function. In summary, the available evidence is currently insufficient to determine the role of this variant in disease. Therefore, it has been classified as a Variant of Uncertain Significance.

NM_018941.4(CLN8):c.452T>C (p.Val151Ala)

Gene: CLN8 (CLN8 transmembrane ER and ERGIC protein; plus strand). Cytogenetic location: 8p23.3.
Variant type: single nucleotide variant.
Coding change: c.452T>C on transcript NM_018941.4 (MANE Select); coding-DNA position 452, T replaced by C.
Protein change: p.Val151Ala; replaces valine 151 with alanine.
Molecular consequence: missense variant.
Genome position (GRCh38, 1-based): chr8:1,771,506, T>C. VCF-style: chr8-1771506-T-C. GRCh37 (hg19) VCF-style: chr8-1719672-T-C.
Other names: short protein forms V151A.
Identifiers: ClinVar variation 1497226 (VCV001497226.6), dbSNP rs752026391, ClinGen allele CA369953598.